The following is an entry in ClinVar:

ClinVar aggregate classification (germline): Uncertain significance (1 of 4 stars; one submission).

Conditions:
Inborn genetic diseases. Identifiers: MedGen C0950123, MeSH D030342.

gnomAD v4.1: 1 of 1,613,914 alleles (0.000062%); highest among the groups gnomAD compares: Non-Finnish European, 0.000085%; no homozygotes.

Submission:

Ambry Genetics
Classification: Uncertain significance for Inborn genetic diseases. Last evaluated: 2025-02-12. Review status: criteria provided, single submitter. Criteria: Ambry Variant Classification Scheme 2023. Collection method: clinical testing. Allele origin: germline.
Comment: The p.E154D variant (also known as c.462G>C), located in coding exon 4 of the RTEL1 gene, results from a G to C substitution at nucleotide position 462. The glutamic acid at codon 154 is replaced by aspartic acid, an amino acid with highly similar properties. This amino acid position is conserved. In addition, this alteration is predicted to be tolerated by in silico analysis. Based on the available evidence, the clinical significance of this variant remains unclear.

NM_001283009.2(RTEL1):c.462G>C (p.Glu154Asp)

Genes: RTEL1 (regulator of telomere elongation helicase 1; plus strand), RTEL1-TNFRSF6B (RTEL1-TNFRSF6B readthrough (NMD candidate); plus strand). Cytogenetic location: 20q13.33.
Variant type: single nucleotide variant.
Coding change: c.462G>C on transcript NM_001283009.2 (MANE Select); coding-DNA position 462, G replaced by C.
Protein change: p.Glu154Asp; replaces glutamic acid 154 with aspartic acid.
Molecular consequence: missense variant. On other transcripts: non-coding transcript variant (1), 5 prime UTR variant (1).
Genome position (GRCh38, 1-based): chr20:63,662,612, G>C. VCF-style: chr20-63662612-G-C. GRCh37 (hg19) VCF-style: chr20-62293965-G-C.
Other names: c.-208G>C (NM_001283010.1); c.462G>C, p.Glu154Asp (NM_016434.4); c.534G>C, p.Glu178Asp (NM_032957.5); short protein forms E154D, E178D.
Identifiers: ClinVar variation 3791144 (VCV003791144.1).
Genomic context (GRCh38, chr20:63,662,612, plus strand): 5'-GGTGTGTGTGCTGGGCTCCCGGGAGCAGCTGTGCATCCATCCTGAGGTGAAGAAACAAGA[G>C]AGTAACCATCTACAGGTAGGCTCCTGGGCTCCCGCTCCGGCTCAGTGTCCGACAGGCGAG-3'
Protein context (NP_001269938.1, residues 144-164): LCIHPEVKKQ[Glu154Asp]SNHLQIHLCR